The following is an entry in ClinVar:

ClinVar aggregate classification (germline): Uncertain significance (1 of 4 stars; one submission).

Submission:

Labcorp Genetics (formerly Invitae), Labcorp
Classification: Uncertain significance. Last evaluated: 2023-12-19. Review status: criteria provided, single submitter. Criteria: Invitae Variant Classification Sherloc (09022015). Collection method: clinical testing. Allele origin: germline.
Comment: This sequence change replaces lysine, which is basic and polar, with glutamic acid, which is acidic and polar, at codon 78 of the SGMS2 protein (p.Lys78Glu). This variant is not present in population databases (gnomAD no frequency). This variant has not been reported in the literature in individuals affected with SGMS2-related conditions. Advanced modeling of protein sequence and biophysical properties (such as structural, functional, and spatial information, amino acid conservation, physicochemical variation, residue mobility, and thermodynamic stability) performed at Invitae indicates that this missense variant is expected to disrupt SGMS2 protein function with a positive predictive value of 80%. In summary, the available evidence is currently insufficient to determine the role of this variant in disease. Therefore, it has been classified as a Variant of Uncertain Significance.

NM_001375905.1(SGMS2):c.232A>G (p.Lys78Glu)

Genes: CYP2U1-AS1 (CYP2U1 and SGMS2 antisense RNA 1; minus strand), SGMS2 (sphingomyelin synthase 2; plus strand). Cytogenetic location: 4q25.
Variant type: single nucleotide variant.
Coding change: c.232A>G on transcript NM_001375905.1 (MANE Select); coding-DNA position 232, A replaced by G.
Protein change: p.Lys78Glu; replaces lysine 78 with glutamic acid.
Molecular consequence: missense variant. On other transcripts: intron variant (1).
Genome position (GRCh38, 1-based): chr4:107,895,785, A>G. VCF-style: chr4-107895785-A-G. GRCh37 (hg19) VCF-style: chr4-108816941-A-G.
Other names: c.232A>G, p.Lys78Glu (NM_001136257.2, NM_001136258.2, NM_001375906.1 and 4 more transcripts); c.-64-3790A>G (NM_001375911.1); short protein forms K78E.
Identifiers: ClinVar variation 2788325 (VCV002788325.3), dbSNP rs2476725970, ClinGen allele CA357835211.